The following is an entry in ClinVar:

ClinVar aggregate classification (germline): Uncertain significance (1 of 4 stars; one submission).

Conditions:
Charcot-Marie-Tooth disease axonal type 2Z. Also called: CHARCOT-MARIE-TOOTH DISEASE, AXONAL, AUTOSOMAL DOMINANT, TYPE 2Z; CHARCOT-MARIE-TOOTH NEUROPATHY, TYPE 2Z. Identifiers: Orphanet 466768, MedGen C5569025, MONDO:0014736, OMIM 616688.

Submission:

Labcorp Genetics (formerly Invitae), Labcorp
Classification: Uncertain significance for Charcot-Marie-Tooth disease axonal type 2Z. Last evaluated: 2022-12-26. Review status: criteria provided, single submitter. Criteria: Invitae Variant Classification Sherloc (09022015). Collection method: clinical testing. Allele origin: germline.
Comment: In summary, the available evidence is currently insufficient to determine the role of this variant in disease. Therefore, it has been classified as a Variant of Uncertain Significance. Algorithms developed to predict the effect of sequence changes on RNA splicing suggest that this variant may create or strengthen a splice site. This sequence change falls in intron 3 of the MORC2 gene. It does not directly change the encoded amino acid sequence of the MORC2 protein. This variant is not present in population databases (gnomAD no frequency). This variant has not been reported in the literature in individuals affected with MORC2-related conditions.

NM_001303256.3(MORC2):c.158-5T>A

Gene: MORC2 (MORC family CW-type zinc finger 2; minus strand). Cytogenetic location: 22q12.2.
Variant type: single nucleotide variant.
Coding change: c.158-5T>A on transcript NM_001303256.3 (MANE Select); 5 bases into the intron before coding-DNA position 158, T replaced by A.
Molecular consequence: intron variant.
Genome position (GRCh38, 1-based): chr22:30,950,450, A>T on the plus strand (T>A on the coding strand, the complement: MORC2 is on the minus strand). VCF-style: chr22-30950450-A-T. GRCh37 (hg19) VCF-style: chr22-31346436-A-T.
Other names: c.158-5T>A (NM_001303257.2); c.-29-5T>A (NM_014941.3).
Identifiers: ClinVar variation 2905827 (VCV002905827.3), dbSNP rs764556739, ClinGen allele CA2739267886.